The following is an entry in ClinVar:

NM_032608.7(MYO18B):c.593C>A (p.Thr198Asn)

Gene: MYO18B (myosin XVIIIB; plus strand). Cytogenetic location: 22q12.1.
Variant type: single nucleotide variant.
Coding change: c.593C>A on transcript NM_032608.7 (MANE Select); coding-DNA position 593, C replaced by A.
Protein change: p.Thr198Asn; replaces threonine 198 with asparagine.
Molecular consequence: missense variant.
Genome position (GRCh38, 1-based): chr22:25,768,509, C>A. VCF-style: chr22-25768509-C-A. GRCh37 (hg19) VCF-style: chr22-26164476-C-A.
Other names: c.593C>A, p.Thr198Asn (NM_001318245.2); short protein forms T198N.
Identifiers: ClinVar variation 3723886 (VCV003723886.2).

ClinVar aggregate classification (germline): Uncertain significance (1 of 4 stars; one submission).

Submission:

Labcorp Genetics (formerly Invitae), Labcorp
Classification: Uncertain significance. Last evaluated: 2025-07-03. Review status: criteria provided, single submitter. Criteria: Invitae Variant Classification Sherloc (09022015). Collection method: clinical testing. Allele origin: germline.
Comment: This sequence change replaces threonine, which is neutral and polar, with asparagine, which is neutral and polar, at codon 198 of the MYO18B protein (p.Thr198Asn). This variant is not present in population databases (gnomAD no frequency). This variant has not been reported in the literature in individuals affected with MYO18B-related conditions. ClinVar contains an entry for this variant (Variation ID: 3723886). An algorithm developed to predict the effect of missense changes on protein structure and function (PolyPhen-2) suggests that this variant is likely to be tolerated. In summary, the available evidence is currently insufficient to determine the role of this variant in disease. Therefore, it has been classified as a Variant of Uncertain Significance.